The following is an entry in ClinVar:

ClinVar aggregate classification (germline): Uncertain significance. Review status: criteria provided, multiple submitters, no conflicts (2 of 4 stars). 2 submissions from 2 submitters: Uncertain significance (2). Last evaluated 2021-06-11.

Conditions:
Cardiovascular phenotype. Identifiers: MedGen CN230736.
Long QT syndrome (LQTS). Identifiers: MedGen C0023976, MeSH D008133, MONDO:0002442. Disease mechanism: loss of function. Inheritance: Various modes of inheritance.

Allele frequency attached by ClinVar (database versions not stated): gnomAD exomes below 0.00001 and 0.00001; gnomAD 0.00001.
gnomAD v4.1: 4 of 1,613,534 alleles (0.00025%); highest among the groups gnomAD compares: Non-Finnish European, 0.00034%; no homozygotes.

Submissions (2):

Ambry Genetics
Classification: Uncertain significance for Cardiovascular phenotype. Last evaluated: 2021-06-11. Review status: criteria provided, single submitter. Criteria: Ambry Variant Classification Scheme 2023. Collection method: clinical testing. Allele origin: germline.

Labcorp Genetics (formerly Invitae), Labcorp
Classification: Uncertain significance for Long QT syndrome. Last evaluated: 2020-04-26. Review status: criteria provided, single submitter. Criteria: Invitae Variant Classification Sherloc (09022015). Collection method: clinical testing. Allele origin: germline.
Comment: In summary, the available evidence is currently insufficient to determine the role of this variant in disease. Therefore, it has been classified as a Variant of Uncertain Significance. Algorithms developed to predict the effect of missense changes on protein structure and function are either unavailable or do not agree on the potential impact of this missense change (SIFT: "Tolerated"; PolyPhen-2: "Possibly Damaging"; Align-GVGD: "Class C0"). This sequence change replaces serine with leucine at codon 956 of the AKAP9 protein (p.Ser956Leu). The serine residue is moderately conserved and there is a large physicochemical difference between serine and leucine. This variant is not present in population databases (ExAC no frequency). This variant has not been reported in the literature in individuals with AKAP9-related conditions.

NM_005751.5(AKAP9):c.2867C>T (p.Ser956Leu)

Gene: AKAP9 (A-kinase anchoring protein 9; plus strand). Cytogenetic location: 7q21.2.
Variant type: single nucleotide variant.
Coding change: c.2867C>T on transcript NM_005751.5 (MANE Select); coding-DNA position 2867, C replaced by T.
Protein change: p.Ser956Leu; replaces serine 956 with leucine.
Molecular consequence: missense variant.
Genome position (GRCh38, 1-based): chr7:92,002,784, C>T. VCF-style: chr7-92002784-C-T. GRCh37 (hg19) VCF-style: chr7-91632098-C-T.
Other names: c.2867C>T, p.Ser956Leu (NM_147185.3); c.2867C>T (NM_005751.4); short protein forms S956L.
Identifiers: ClinVar variation 1006275 (VCV001006275.9), dbSNP rs1169980644, ClinGen allele CA368125108.
Genomic context (GRCh38, chr7:92,002,784, plus strand): 5'-AGGATACAACAGAACTCATGGAAAAACTTGAGGTAACCAAGCGAGAGAAATTAGAGCTGT[C>T]ACAGAGACTGTCTGATCTTTCTGAACAATTGAAACAGAAACATGGTGAGATTAGTTTTCT-3'
Protein context (NP_005742.4, residues 946-966): EVTKREKLEL[Ser956Leu]QRLSDLSEQL